The following is an entry in ClinVar:

NM_012463.4(ATP6V0A2):c.962A>G (p.Asn321Ser)

Gene: ATP6V0A2 (ATPase H+ transporting V0 subunit a2; plus strand). Cytogenetic location: 12q24.31.
Variant type: single nucleotide variant.
Coding change: c.962A>G on transcript NM_012463.4 (MANE Select); coding-DNA position 962, A replaced by G.
Protein change: p.Asn321Ser; replaces asparagine 321 with serine.
Molecular consequence: missense variant.
Genome position (GRCh38, 1-based): chr12:123,737,195, A>G. VCF-style: chr12-123737195-A-G. GRCh37 (hg19) VCF-style: chr12-124221742-A-G.
Other names: short protein forms N321S.
Identifiers: ClinVar variation 2092839 (VCV002092839.4), dbSNP rs1280427324, ClinGen allele CA387154447.
Genomic context (GRCh38, chr12:123,737,195, plus strand): 5'-AGGTGAAGAAAATGAAGGCCATCTATCACATGCTGAACATGTGCAGCTTTGACGTGACCA[A>G]CAAGTGCCTCATTGCTGAGGTCTGGTGTCCCGAGGCGGATCTGCAGGACCTGCGCCGGGC-3'
Protein context (NP_036595.2, residues 311-331): MLNMCSFDVT[Asn321Ser]KCLIAEVWCP

ClinVar aggregate classification (germline): Uncertain significance (1 of 4 stars; one submission).

Conditions:
ALG9 congenital disorder of glycosylation (CDG1L). Also called: ALG9-CDG; CDG Il; CONGENITAL DISORDER OF GLYCOSYLATION, TYPE Il. Identifiers: Orphanet 79328, MedGen C2931006, MONDO:0012117, OMIM 608776.

Allele frequency attached by ClinVar (database versions not stated): gnomAD exomes 0.00001.
gnomAD v4.1: 9 of 1,614,192 alleles (0.00056%); highest among the groups gnomAD compares: South Asian, 0.0011%; no homozygotes.

Submission:

Labcorp Genetics (formerly Invitae), Labcorp
Classification: Uncertain significance for ALG9 congenital disorder of glycosylation. Last evaluated: 2022-02-04. Review status: criteria provided, single submitter. Criteria: Invitae Variant Classification Sherloc (09022015). Collection method: clinical testing. Allele origin: germline.
Comment: This variant is present in population databases (no rsID available, gnomAD 0.003%). This variant has not been reported in the literature in individuals affected with ATP6V0A2-related conditions. Algorithms developed to predict the effect of missense changes on protein structure and function are either unavailable or do not agree on the potential impact of this missense change (SIFT: "Tolerated"; PolyPhen-2: "Possibly Damaging"; Align-GVGD: "Class C0"). Algorithms developed to predict the effect of sequence changes on RNA splicing suggest that this variant may create or strengthen a splice site. In summary, the available evidence is currently insufficient to determine the role of this variant in disease. Therefore, it has been classified as a Variant of Uncertain Significance. This sequence change replaces asparagine, which is neutral and polar, with serine, which is neutral and polar, at codon 321 of the ATP6V0A2 protein (p.Asn321Ser).